The following is an entry in ClinVar:

NM_014639.4(SKIC3):c.887C>A (p.Thr296Lys)

Gene: SKIC3 (SKI3 subunit of superkiller complex; minus strand). Cytogenetic location: 5q15.
Variant type: single nucleotide variant.
Coding change: c.887C>A on transcript NM_014639.4 (MANE Select); coding-DNA position 887, C replaced by A.
Protein change: p.Thr296Lys; replaces threonine 296 with lysine.
Molecular consequence: missense variant.
Genome position (GRCh38, 1-based): chr5:95,530,094, G>T on the plus strand (C>A on the coding strand, the complement: SKIC3 is on the minus strand). VCF-style: chr5-95530094-G-T. GRCh37 (hg19) VCF-style: chr5-94865798-G-T.
Other names: c.887C>A (NM_014639.3); short protein forms T296K.
Identifiers: ClinVar variation 1365958 (VCV001365958.8), dbSNP rs375352830, ClinGen allele CA3347505.
Genomic context (GRCh38, chr5:95,530,094, plus strand): 5'-TACTGACTGAATAATAATTATACTTCACGTTACATGCCATACACTGTACATTTACCTTCT[G>T]TTAGGTTCCTAACAGCATCTTCATACTTTTTGTCTTGTAATGCTTTAATGCCTAAGCCAA-3'
Protein context (NP_055454.1, residues 286-306): KKYEDAVRNL[Thr296Lys]EGLKESPVCT

ClinVar aggregate classification (germline): Uncertain significance. Review status: criteria provided, multiple submitters, no conflicts (2 of 4 stars). 2 submissions from 2 submitters: Uncertain significance (2). Last evaluated 2025-11-06.

Conditions:
Inborn genetic diseases. Identifiers: MedGen C0950123, MeSH D030342.

Allele frequency attached by ClinVar (database versions not stated): ExAC 0.00009; ESP Exome Variant Server 0.00008; TOPMed 0.00008.
gnomAD v4.1: 61 of 1,612,848 alleles (0.0038%); highest among the groups gnomAD compares: Middle Eastern, 0.016%; no homozygotes.

Submissions (2):

Ambry Genetics
Classification: Uncertain significance for Inborn genetic diseases. Last evaluated: 2025-11-06. Review status: criteria provided, single submitter. Criteria: Ambry Variant Classification Scheme 2023. Collection method: clinical testing. Allele origin: germline.

Labcorp Genetics (formerly Invitae), Labcorp
Classification: Uncertain significance. Last evaluated: 2024-05-16. Review status: criteria provided, single submitter. Criteria: Invitae Variant Classification Sherloc (09022015). Collection method: clinical testing. Allele origin: germline.
Comment: This sequence change replaces threonine, which is neutral and polar, with lysine, which is basic and polar, at codon 296 of the TTC37 protein (p.Thr296Lys). This variant is present in population databases (rs375352830, gnomAD 0.009%). This variant has not been reported in the literature in individuals affected with TTC37-related conditions. ClinVar contains an entry for this variant (Variation ID: 1365958). An algorithm developed to predict the effect of missense changes on protein structure and function (PolyPhen-2) suggests that this variant¬†is likely to be tolerated. In summary, the available evidence is currently insufficient to determine the role of this variant in disease. Therefore, it has been classified as a Variant of Uncertain Significance.